The following is an entry in ClinVar:

ClinVar aggregate classification (germline): Uncertain significance (1 of 4 stars; one submission).

Allele frequency attached by ClinVar (database versions not stated): gnomAD exomes below 0.00001; TOPMed below 0.00001.
gnomAD v4.1: 1 of 1,613,848 alleles (0.000062%); highest among the groups gnomAD compares: East Asian, 0.0022%; no homozygotes.

Submission:

Labcorp Genetics (formerly Invitae), Labcorp
Classification: Uncertain significance. Last evaluated: 2022-10-27. Review status: criteria provided, single submitter. Criteria: Invitae Variant Classification Sherloc (09022015). Collection method: clinical testing. Allele origin: germline.
Comment: In summary, the available evidence is currently insufficient to determine the role of this variant in disease. Therefore, it has been classified as a Variant of Uncertain Significance. Algorithms developed to predict the effect of missense changes on protein structure and function (SIFT, PolyPhen-2, Align-GVGD) all suggest that this variant is likely to be tolerated. This variant has not been reported in the literature in individuals affected with MICAL1-related conditions. This variant is not present in population databases (gnomAD no frequency). This sequence change replaces threonine, which is neutral and polar, with alanine, which is neutral and non-polar, at codon 773 of the MICAL1 protein (p.Thr773Ala).

NM_022765.4(MICAL1):c.2260A>G (p.Thr754Ala)

Gene: MICAL1 (microtubule associated monooxygenase, calponin and LIM domain containing 1; minus strand). Cytogenetic location: 6q21.
Variant type: single nucleotide variant.
Coding change: c.2260A>G on transcript NM_022765.4 (MANE Select); coding-DNA position 2260, A replaced by G.
Protein change: p.Thr754Ala; replaces threonine 754 with alanine.
Molecular consequence: missense variant.
Genome position (GRCh38, 1-based): chr6:109,446,740, T>C on the plus strand (A>G on the coding strand, the complement: MICAL1 is on the minus strand). VCF-style: chr6-109446740-T-C. GRCh37 (hg19) VCF-style: chr6-109767943-T-C.
Other names: c.2002A>G, p.Thr668Ala (NM_001159291.2); c.2317A>G, p.Thr773Ala (NM_001286613.2); short protein forms T668A, T773A, T754A.
Identifiers: ClinVar variation 2097573 (VCV002097573.4), dbSNP rs1775242343, ClinGen allele CA365224820.